The following is an entry in ClinVar:

ClinVar aggregate classification (germline): Likely pathogenic (0 of 4 stars; one submission).

Conditions:
Dilated cardiomyopathy 3B (CMD3B). Also called: CMD3B: DMD-Related Dilated Cardiomyopathy; CARDIOMYOPATHY, DILATED, X-LINKED; DMD-Associated Dilated Cardiomyopathy. Identifiers: Orphanet 154, MedGen C3668940, MONDO:0010542, OMIM 302045.

Submission:

Laboratory of Medical Genetics, National & Kapodistrian University of Athens
Classification: Likely pathogenic for Dilated cardiomyopathy 3B. Last evaluated: 2026-08-03. Review status: no assertion criteria provided. Collection method: clinical testing. Allele origin: germline. Inheritance: X-linked inheritance. Affected: yes. Observed: 1 variant allele, 1 hemizygote.
Comment: The variant NM_004006.3:c.23A>G in the DMD gene results in replacement of the negatively charged glutamic acid (Glu, E) by the neutral glycine (Gly, G) at codon 8 (p.(Glu8Gly), p.E8G). This missense variant is an unpublished finding identified in our laboratory in six affected males from three unrelated families, all presenting with dilated cardiomyopathy with adolescent-onset disease and mild hyperCKemia. The variant was identified in affected maternal cousins from two unrelated families, supporting intrafamilial segregation with disease. NGS in three affected individuals was negative for other pathogenic variants or CNVs. Muscle biopsy in two unrelated individuals showed findings consistent with dystrophinopathy (reduced dystrophin-positive fibers). Cardiological evaluation of three carrier mothers was normal, consistent with the variable expressivity/reduced penetrance expected in X-linked carriers and not against pathogenicity. The variant is absent from gnomAD exomes (PM2). REVEL (0.424) falls in the benign-supporting range, so computational evidence is not considered supportive (PP3 not applied). Missense variants are a less common DMD disease mechanism than large deletions/duplications/nonsense/splice-site variants, but are an established cause of dystrophinopathy when supported by clinical, segregation, and histopathological evidence (PMID: 37754746). The residue lies within the N-terminal actin-binding domain (ABD1), adding biological plausibility. Given the absence from population databases, recurrence in multiple families with a consistent phenotype, segregation with disease, and supportive muscle biopsy findings, the variant is classified as Likely Pathogenic.

Literature cited by the submitters: PubMed 37754746.

NM_004006.3(DMD):c.23A>G (p.Glu8Gly)

Gene: DMD (dystrophin; minus strand). Cytogenetic location: Xp21.1.
Variant type: single nucleotide variant.
Coding change: c.23A>G on transcript NM_004006.3 (MANE Select); coding-DNA position 23, A replaced by G.
Protein change: p.Glu8Gly; replaces glutamic acid 8 with glycine.
Molecular consequence: missense variant. On other transcripts: intron variant (1).
Genome position (GRCh38, 1-based): chrX:33,211,290, T>C on the plus strand (A>G on the coding strand, the complement: DMD is on the minus strand). VCF-style: chrX-33211290-T-C. GRCh37 (hg19) VCF-style: chrX-33229407-T-C.
Other names: c.7+127969A>G (NM_000109.4); short protein forms E8G.
Identifiers: ClinVar variation 4890842 (VCV004890842.1).